The following is an entry in ClinVar:

ClinVar aggregate classification (germline): Conflicting classifications of pathogenicity. Review status: criteria provided, conflicting classifications (1 of 4 stars). 4 submissions from 4 submitters: Likely pathogenic (1); Uncertain significance (3). Last evaluated 2024-11-05.

Conditions:
Nephronophthisis 18 (NPHP18). Identifiers: Orphanet 655, MedGen C3890591, MONDO:0014374, OMIM 615862.
Ciliopathy. Also called: Ciliopathies. Identifiers: Orphanet 363250, MedGen C4277690, MONDO:0005308, MeSH D000072661.

Allele frequency attached by ClinVar (database versions not stated): gnomAD exomes 0.00009 and 0.00022; gnomAD 0.00011 and 0.00013; TOPMed 0.00011; ExAC 0.00017; ESP Exome Variant Server 0.00025.
gnomAD v4.1: 349 of 1,612,950 alleles (0.022%); highest among the groups gnomAD compares: Non-Finnish European, 0.027%; no homozygotes.

Submissions (4):

Labcorp Genetics (formerly Invitae), Labcorp
Classification: Uncertain significance for Nephronophthisis 18. Last evaluated: 2024-11-05. Review status: criteria provided, single submitter. Criteria: Invitae Variant Classification Sherloc (09022015). Collection method: clinical testing. Allele origin: germline.
Comment: This sequence change replaces aspartic acid, which is acidic and polar, with valine, which is neutral and non-polar, at codon 373 of the CEP83 protein (p.Asp373Val). This variant is present in population databases (rs200971081, gnomAD 0.02%). This variant has not been reported in the literature in individuals affected with CEP83-related conditions. ClinVar contains an entry for this variant (Variation ID: 381892). Invitae Evidence Modeling of protein sequence and biophysical properties (such as structural, functional, and spatial information, amino acid conservation, physicochemical variation, residue mobility, and thermodynamic stability) has been performed for this missense variant. However, the output from this modeling did not meet the statistical confidence thresholds required to predict the impact of this variant on CEP83 protein function. In summary, the available evidence is currently insufficient to determine the role of this variant in disease. Therefore, it has been classified as a Variant of Uncertain Significance.

Broad Center for Mendelian Genomics, Broad Institute of MIT and Harvard
Classification: Uncertain significance for Ciliopathy. Last evaluated: 2024-03-13. Review status: criteria provided, single submitter. Criteria: ACMG Guidelines, 2015. Collection method: curation. Allele origin: germline. Inheritance: Autosomal recessive inheritance.
Comment: Trio genome analysis revealed that this variant was in trans with a likely pathogenic variant (NC_000012.12:g.94331819C>A). We believe tis is a phenotype expansion for CEP83-related disorders. The p.Asp373Val variant in CEP83 has not been previously reported in the literature in individuals with nephronophthisis 18 but has been identified in 0.02% (23/128208) of European (non-Finnish) chromosomes by the Genome Aggregation Database (gnomAD; dbSNP ID: rs200971081). Although this variant has been seen in the general population in a heterozygous state, its frequency is not high enough to rule out a pathogenic role. This variant has also been reported in ClinVar (Variation ID: 381892) and has conflicting interpretations of pathogenicity. Computational prediction tools and conservation analyses do not provide strong support for or against an impact to the protein. In summary, the clinical significance of the p.Asp373Val variant is uncertain. ACMG/AMP Criteria applied: PM3 (Richards 2015).

Blueprint Genetics
Classification: Uncertain significance. Last evaluated: 2021-08-13. Review status: criteria provided, single submitter. Criteria: ACMG Guidelines, 2015. Collection method: clinical testing. Allele origin: germline.

GeneDx
Classification: Likely pathogenic. Last evaluated: 2015-12-14. Review status: criteria provided, single submitter. Criteria: GeneDx Variant Classification (06012015). Collection method: clinical testing. Allele origin: germline. Affected: yes.
Comment: The D373V variant in the CEP83 gene has not been reported previously as a pathogenic variant, nor as a benign variant, to our knowledge. The D373V variant was not observed at any significant frequency in approximately 5900 individuals of European and African American ancestry in the NHLBI Exome Sequencing Project, indicating it is not a common benign variant in these populations. The D373V variant is a non-conservative amino acid substitution, which occurs at a position in the coiled coil domain where amino acids with similar properties to Aspartic Acid are tolerated across species. In silico analysis is inconsistent in its predictions as to whether or not the variant is damaging to the protein structure/function. As an alternate mechanism, multiple in silico algorithms predict that this sequence change creates a cryptic splice donor site, which may cause abnormal gene splicing. However, in the absence of functional studies, the effect of this variant on the protein is unknown. The D373V variant is a strong candidate for a pathogenic variant, however the possibility it may be a rare benign variant cannot be excluded.

Literature cited by the submitters: PubMed 39033378 (cited by Broad Center for Mendelian Genomics, Broad Institute of MIT and Harvard).

NM_016122.3(CEP83):c.1118A>T (p.Asp373Val)

Gene: CEP83 (centrosomal protein 83; minus strand). Cytogenetic location: 12q22.
Variant type: single nucleotide variant.
Coding change: c.1118A>T on transcript NM_016122.3 (MANE Select); coding-DNA position 1118, A replaced by T.
Protein change: p.Asp373Val; replaces aspartic acid 373 with valine.
Molecular consequence: missense variant. On other transcripts: non-coding transcript variant (1).
Genome position (GRCh38, 1-based): chr12:94,368,132, T>A on the plus strand (A>T on the coding strand, the complement: CEP83 is on the minus strand). VCF-style: chr12-94368132-T-A. GRCh37 (hg19) VCF-style: chr12-94761908-T-A.
Other names: NM_016122.3(CEP83):c.1118A>T; p.Asp373Val; c.1118A>T, p.Asp373Val (NM_001042399.2, NM_001346457.2, NM_001368037.1 and 1 more transcripts); c.806A>T, p.Asp269Val (NM_001346458.2, NM_001346459.2, NM_001368039.1 and 1 more transcripts); c.893A>T, p.Asp298Val (NM_001368041.1); short protein forms D373V, D298V, D269V.
Identifiers: ClinVar variation 381892 (VCV000381892.9), dbSNP rs200971081, ClinGen allele CA6721749.
Genomic context (GRCh38, chr12:94,368,132, plus strand): 5'-ACCACAAGTTTTTGATAACCTTCTTCTTTGGCAGCTTGTACTTTACGTATTAATTCACGA[T>A]CCTTTTCTACTAAGAGCACTTTGTGATGTTCAACAGCTGCTTTGAGAATTTCATTGTCTG-3'
Protein context (NP_057206.2, residues 363-383): EHHKVLLVEK[Asp373Val]RELIRKVQAA